The following is an entry in ClinVar:

ClinVar aggregate classification (germline): Uncertain significance (1 of 4 stars; one submission).

Conditions:
Brugada syndrome. Also called: Sudden Unexplained Death Syndrome; Sudden Unexplained Nocturnal Death Syndrome (SUNDS); Sudden unexpected nocturnal death syndrome; Sudden unexplained nocturnal death syndrome. Identifiers: Orphanet 130, MedGen C1142166, MONDO:0015263.

Submission:

Labcorp Genetics (formerly Invitae), Labcorp
Classification: Uncertain significance for Brugada syndrome. Last evaluated: 2022-08-10. Review status: criteria provided, single submitter. Criteria: Invitae Variant Classification Sherloc (09022015). Collection method: clinical testing. Allele origin: germline.
Comment: Advanced modeling of protein sequence and biophysical properties (such as structural, functional, and spatial information, amino acid conservation, physicochemical variation, residue mobility, and thermodynamic stability) performed at Invitae indicates that this missense variant is expected to disrupt SCN10A protein function. In summary, the available evidence is currently insufficient to determine the role of this variant in disease. Therefore, it has been classified as a Variant of Uncertain Significance. ClinVar contains an entry for this variant (Variation ID: 1372529). This variant has not been reported in the literature in individuals affected with SCN10A-related conditions. This variant is not present in population databases (gnomAD no frequency). This sequence change replaces histidine, which is basic and polar, with arginine, which is basic and polar, at codon 1799 of the SCN10A protein (p.His1799Arg).

NM_006514.4(SCN10A):c.5396A>G (p.His1799Arg)

Gene: SCN10A (sodium voltage-gated channel alpha subunit 10; minus strand). Cytogenetic location: 3p22.2.
Variant type: single nucleotide variant.
Coding change: c.5396A>G on transcript NM_006514.4 (MANE Select); coding-DNA position 5396, A replaced by G.
Protein change: p.His1799Arg; replaces histidine 1799 with arginine.
Molecular consequence: missense variant.
Genome position (GRCh38, 1-based): chr3:38,697,824, T>C on the plus strand (A>G on the coding strand, the complement: SCN10A is on the minus strand). VCF-style: chr3-38697824-T-C. GRCh37 (hg19) VCF-style: chr3-38739315-T-C.
Other names: c.5393A>G, p.His1798Arg (NM_001293306.2); c.5102A>G, p.His1701Arg (NM_001293307.2); short protein forms H1799R, H1701R, H1798R.
Identifiers: ClinVar variation 1372529 (VCV001372529.6), dbSNP rs2125979327, ClinGen allele CA352153670.